The following is an entry in ClinVar:

NM_016938.5(EFEMP2):c.1065C>A (p.Ser355Arg)

Gene: EFEMP2 (EGF-like fibulin extracellular matrix protein 2; minus strand). Cytogenetic location: 11q13.1.
Variant type: single nucleotide variant.
Coding change: c.1065C>A on transcript NM_016938.5 (MANE Select); coding-DNA position 1065, C replaced by A.
Protein change: p.Ser355Arg; replaces serine 355 with arginine.
Molecular consequence: missense variant. On other transcripts: non-coding transcript variant (1).
Genome position (GRCh38, 1-based): chr11:65,867,966, G>T on the plus strand (C>A on the coding strand, the complement: EFEMP2 is on the minus strand). VCF-style: chr11-65867966-G-T. GRCh37 (hg19) VCF-style: chr11-65635437-G-T.
Other names: short protein forms S355R.
Identifiers: ClinVar variation 664118 (VCV000664118.23), dbSNP rs377646143, ClinGen allele CA6110423.
Genomic context (GRCh38, chr11:65,867,966, plus strand): 5'-GGCATTGTAGGCACCGGGGTAGACGGAGGTCGCCTGGATCTGGAACACGTCAGCGGGCAC[G>T]CTCCGCTCCGAGGTGATGGTCATGTAGCGGTGCACAATGGATGAAGGCTGCTCTCGACAT-3'
Protein context (NP_058634.4, residues 345-365): HRYMTITSER[Ser355Arg]VPADVFQIQA

ClinVar aggregate classification (germline): Uncertain significance. Review status: criteria provided, multiple submitters, no conflicts (2 of 4 stars). 10 submissions from 10 submitters: Uncertain significance (6). 4 of the submissions do not count toward it. Last evaluated 2026-03-27.

Conditions:
Cardiovascular phenotype. Identifiers: MedGen CN230736.
Cutis laxa, autosomal recessive, type 1B (ARCL1B). Also called: CUTIS LAXA, AUTOSOMAL RECESSIVE, TYPE IB; EFEMP2-Related Cutis Laxa. Identifiers: Orphanet 90349, MedGen C3280798, MONDO:0013754, OMIM 614437. Disease mechanism: loss of function.
EFEMP2-related disorder. Also called: EFEMP2-related condition.

Allele frequency attached by ClinVar (database versions not stated): ESP Exome Variant Server 0.00008; gnomAD 0.00011 and 0.00010; TOPMed 0.00009; ExAC 0.00006.

Submissions (10):

Molecular Diagnostic Laboratory for Inherited Cardiovascular Disease, Montreal Heart Institute
Classification: Uncertain significance for Cardiovascular phenotype. Last evaluated: 2026-03-27. Review status: criteria provided, single submitter. Criteria: ACMG Guidelines, 2015. Collection method: clinical testing. Allele origin: germline. Affected: yes.

Labcorp Genetics (formerly Invitae), Labcorp
Classification: Uncertain significance for Cutis laxa, autosomal recessive, type 1B. Last evaluated: 2025-01-29. Review status: criteria provided, single submitter. Criteria: Invitae Variant Classification Sherloc (09022015). Collection method: clinical testing. Allele origin: germline.
Comment: This sequence change replaces serine, which is neutral and polar, with arginine, which is basic and polar, at codon 355 of the EFEMP2 protein (p.Ser355Arg). This variant is present in population databases (rs377646143, gnomAD 0.01%). This variant has not been reported in the literature in individuals affected with EFEMP2-related conditions. ClinVar contains an entry for this variant (Variation ID: 664118). Invitae Evidence Modeling of protein sequence and biophysical properties (such as structural, functional, and spatial information, amino acid conservation, physicochemical variation, residue mobility, and thermodynamic stability) indicates that this missense variant is not expected to disrupt EFEMP2 protein function with a negative predictive value of 95%. In summary, the available evidence is currently insufficient to determine the role of this variant in disease. Therefore, it has been classified as a Variant of Uncertain Significance.

Ambry Genetics
Classification: Uncertain significance for Cardiovascular phenotype. Last evaluated: 2024-11-29. Review status: criteria provided, single submitter. Criteria: Ambry Variant Classification Scheme 2023. Collection method: clinical testing. Allele origin: germline.
Comment: The p.S355R variant (also known as c.1065C>A), located in coding exon 9 of the EFEMP2 gene, results from a C to A substitution at nucleotide position 1065. The serine at codon 355 is replaced by arginine, an amino acid with dissimilar properties. This amino acid position is well conserved in available vertebrate species. In addition, the in silico prediction for this alteration is inconclusive. Since supporting evidence is limited at this time, the clinical significance of this alteration remains unclear.

ARUP Laboratories, Molecular Genetics and Genomics, ARUP Laboratories
Classification: Uncertain significance for Cutis laxa, autosomal recessive, type 1B. Last evaluated: 2024-03-18. Review status: criteria provided, single submitter. Criteria: ARUP Molecular Germline Variant Investigation Process 2024. Collection method: clinical testing. Allele origin: germline.
Comment: The EFEMP2 c.1065C>A; p.Ser355Arg variant (rs377646143), to our knowledge, is not reported in the medical literature but is reported in ClinVar (Variation ID: 664118). This variant is found in the non-Finnish European population with an allele frequency of 0.014% (18/129140 alleles) in the Genome Aggregation Database (v2.1.1). The serine at codon 355 is highly conserved, but computational analyses are uncertain whether this variant is neutral or deleterious (REVEL: 0.569). Due to limited information, the clinical significance of the p.Ser355Arg variant is uncertain at this time.

GeneDx
Classification: Uncertain significance. Last evaluated: 2023-02-23. Review status: criteria provided, single submitter. Criteria: GeneDx Variant Classification Process June 2021. Collection method: clinical testing. Allele origin: germline. Affected: yes.
Comment: Not observed at a significant frequency in large population cohorts (gnomAD); In silico analysis supports that this missense variant has a deleterious effect on protein structure/function; Has not been previously published as pathogenic or benign to our knowledge

Illumina Laboratory Services, Illumina
Classification: Uncertain significance for Cutis laxa, autosomal recessive, type 1B. Last evaluated: 2018-03-02. Review status: criteria provided, single submitter. Criteria: ICSL Variant Classification Criteria 13 December 2019. Collection method: clinical testing. Allele origin: germline.

PreventionGenetics, part of Exact Sciences
Classification: Uncertain significance for EFEMP2-related condition. Last evaluated: 2024-03-06. Review status: no assertion criteria provided. Collection method: clinical testing. Allele origin: germline. Not counted in ClinVar's aggregate classification.
Comment: The EFEMP2 c.1065C>A variant is predicted to result in the amino acid substitution p.Ser355Arg. To our knowledge, this variant has not been reported in the literature. This variant is reported in 0.014% of alleles in individuals of European (Non-Finnish) descent in gnomAD. At this time, the clinical significance of this variant is uncertain due to the absence of conclusive functional and genetic evidence.

Clinical Genetics DNA and cytogenetics Diagnostics Lab, Erasmus MC, Erasmus Medical Center
Classification: Uncertain significance. Review status: no assertion criteria provided. Collection method: clinical testing. Allele origin: germline. Affected: yes. Study: VKGL Data-share Consensus. Not counted in ClinVar's aggregate classification.

Genome Diagnostics Laboratory, Amsterdam University Medical Center
Classification: Uncertain significance. Review status: no assertion criteria provided. Collection method: clinical testing. Allele origin: germline. Affected: yes. Study: VKGL Data-share Consensus. Not counted in ClinVar's aggregate classification.

Genome Diagnostics Laboratory, University Medical Center Utrecht
Classification: Uncertain significance. Review status: no assertion criteria provided. Collection method: clinical testing. Allele origin: germline. Affected: yes. Study: VKGL Data-share Consensus. Not counted in ClinVar's aggregate classification.